The following is an entry in ClinVar:

NM_002890.3(RASA1):c.3049G>C (p.Gly1017Arg)

Genes: CCNH (cyclin H; minus strand), RASA1 (RAS p21 protein activator 1; plus strand). Cytogenetic location: 5q14.3.
Variant type: single nucleotide variant.
Coding change: c.3049G>C on transcript NM_002890.3 (MANE Select); coding-DNA position 3049, G replaced by C.
Protein change: p.Gly1017Arg; replaces glycine 1017 with arginine.
Molecular consequence: missense variant. On other transcripts: intron variant (1).
Genome position (GRCh38, 1-based): chr5:87,389,516, G>C. VCF-style: chr5-87389516-G-C. GRCh37 (hg19) VCF-style: chr5-86685333-G-C.
Other names: c.2518G>C, p.Gly840Arg (NM_022650.3); c.933+5528C>G (NM_001364075.2); short protein forms G840R, G1017R.
Identifiers: ClinVar variation 4729512 (VCV004729512.1).
Genomic context (GRCh38, chr5:87,389,516, plus strand): 5'-GCATTGCATGAGATTTGCGTGGCTCATTCAGATGAACTTCGAACGCTCAGTAATGAGCGT[G>C]GTGCACAGCAGGTAGGCTTTCGCCAGCCTTCATTAACAATGATGTTTCAAAGATAACACT-3'
Protein context (NP_002881.1, residues 1007-1027): DELRTLSNER[Gly1017Arg]AQQHVLKKLL

ClinVar aggregate classification (germline): Uncertain significance (1 of 4 stars; one submission).

Conditions:
Capillary malformation-arteriovenous malformation syndrome. Also called: Capillary malformation-arteriovenous malformation. Identifiers: Orphanet 137667, MedGen C1842180, MONDO:0012016.

Submission:

Labcorp Genetics (formerly Invitae), Labcorp
Classification: Uncertain significance for Capillary malformation-arteriovenous malformation syndrome. Last evaluated: 2025-10-19. Review status: criteria provided, single submitter. Criteria: Invitae Variant Classification Sherloc (09022015). Collection method: clinical testing. Allele origin: germline.
Comment: This sequence change replaces glycine, which is neutral and non-polar, with arginine, which is basic and polar, at codon 1017 of the RASA1 protein (p.Gly1017Arg). This variant is not present in population databases (gnomAD no frequency). This variant has not been reported in the literature in individuals affected with RASA1-related conditions. An algorithm developed to predict the effect of missense changes on protein structure and function (PolyPhen-2) suggests that this variant is likely to be disruptive. In summary, the available evidence is currently insufficient to determine the role of this variant in disease. Therefore, it has been classified as a Variant of Uncertain Significance.